The following is an entry in ClinVar:

ClinVar aggregate classification (germline): Uncertain significance (1 of 4 stars; one submission).

Allele frequency attached by ClinVar (database versions not stated): gnomAD exomes below 0.00001.
gnomAD v4.1: 1 of 1,612,362 alleles (0.000062%); highest among the groups gnomAD compares: Admixed American, 0.0017%; no homozygotes.

Submission:

CeGaT Center for Human Genetics Tuebingen
Classification: Uncertain significance. Last evaluated: 2023-03-01. Review status: criteria provided, single submitter. Criteria: CeGaT Center For Human Genetics Tuebingen Variant Classification Criteria Version 2. Collection method: clinical testing. Allele origin: germline. Affected: yes. Observed: 2 variant alleles.
Comment: COL4A1: PM2:Supporting, BP4

NM_001845.6(COL4A1):c.1550C>T (p.Thr517Ile)

Gene: COL4A1 (collagen type IV alpha 1 chain; minus strand). Cytogenetic location: 13q34.
Variant type: single nucleotide variant.
Coding change: c.1550C>T on transcript NM_001845.6 (MANE Select); coding-DNA position 1550, C replaced by T.
Protein change: p.Thr517Ile; replaces threonine 517 with isoleucine.
Molecular consequence: missense variant.
Genome position (GRCh38, 1-based): chr13:110,187,316, G>A on the plus strand (C>T on the coding strand, the complement: COL4A1 is on the minus strand). VCF-style: chr13-110187316-G-A. GRCh37 (hg19) VCF-style: chr13-110839663-G-A.
Other names: short protein forms T517I.
Identifiers: ClinVar variation 870804 (VCV000870804.41), dbSNP rs1269728194, ClinGen allele CA388723212.